The following is an entry in ClinVar:

ClinVar aggregate classification (germline): Uncertain significance. Review status: criteria provided, multiple submitters, no conflicts (2 of 4 stars). 2 submissions from 2 submitters: Uncertain significance (2). Last evaluated 2024-03-05.

Allele frequency attached by ClinVar (database versions not stated): TOPMed below 0.00001; gnomAD 0.00001.
gnomAD v4.1: 15 of 1,586,012 alleles (0.00095%); highest among the groups gnomAD compares: Non-Finnish European, 0.0011%; no homozygotes.

Submissions (2):

Labcorp Genetics (formerly Invitae), Labcorp
Classification: Uncertain significance. Last evaluated: 2024-03-05. Review status: criteria provided, single submitter. Criteria: Invitae Variant Classification Sherloc (09022015). Collection method: clinical testing. Allele origin: germline.
Comment: This sequence change replaces glutamic acid, which is acidic and polar, with glutamine, which is neutral and polar, at codon 377 of the COL9A3 protein (p.Glu377Gln). This variant is present in population databases (no rsID available, gnomAD 0.01%). This variant has not been reported in the literature in individuals affected with COL9A3-related conditions. ClinVar contains an entry for this variant (Variation ID: 1366508). Advanced modeling of protein sequence and biophysical properties (such as structural, functional, and spatial information, amino acid conservation, physicochemical variation, residue mobility, and thermodynamic stability) performed at Invitae indicates that this missense variant is not expected to disrupt COL9A3 protein function with a negative predictive value of 95%. In summary, the available evidence is currently insufficient to determine the role of this variant in disease. Therefore, it has been classified as a Variant of Uncertain Significance.

Blueprint Genetics
Classification: Uncertain significance. Last evaluated: 2021-09-07. Review status: criteria provided, single submitter. Criteria: ACMG Guidelines, 2015. Collection method: clinical testing. Allele origin: germline.

NM_001853.4(COL9A3):c.1129G>C (p.Glu377Gln)

Gene: COL9A3 (collagen type IX alpha 3 chain; plus strand). Cytogenetic location: 20q13.33.
Variant type: single nucleotide variant.
Coding change: c.1129G>C on transcript NM_001853.4 (MANE Select); coding-DNA position 1129, G replaced by C.
Protein change: p.Glu377Gln; replaces glutamic acid 377 with glutamine.
Molecular consequence: missense variant.
Genome position (GRCh38, 1-based): chr20:62,829,787, G>C. VCF-style: chr20-62829787-G-C. GRCh37 (hg19) VCF-style: chr20-61461139-G-C.
Other names: short protein forms E377Q.
Identifiers: ClinVar variation 1366508 (VCV001366508.9), dbSNP rs1255216422, ClinGen allele CA409593704.